The following is an entry in ClinVar:

NM_138694.4(PKHD1):c.6296_6297del (p.Val2099fs)

Gene: PKHD1 (PKHD1 ciliary IPT domain containing fibrocystin/polyductin; minus strand). Cytogenetic location: 6p12.2.
Variant type: Microsatellite.
Coding change: c.6296_6297del on transcript NM_138694.4 (MANE Select); coding-DNA positions 6296 to 6297, 2 bases deleted (TG; older notation c.6296_6297delTG).
Protein change: p.Val2099fs; shifts the reading frame from valine 2099.
Molecular consequence: frameshift variant.
Genome position (GRCh38, 1-based): chr6:51,912,401-51,912,402, CA deleted on the plus strand (TG on the coding strand, the reverse complement: PKHD1 is on the minus strand); deleting any 2 consecutive bases within chr6:51,912,401-51,912,404 gives the same sequence; the c. name uses the placement nearest the transcript's 3' end. VCF-style (leftmost placement, unchanged base first): chr6-51912400-GCA-G. GRCh37 (hg19) VCF-style: chr6-51777198-GCA-G.
Other names: c.6296_6297del, p.Val2099fs (NM_170724.3); short protein forms V2099fs.
Identifiers: ClinVar variation 496523 (VCV000496523.10), dbSNP rs910497248, ClinGen allele CA138910818.

ClinVar aggregate classification (germline): Pathogenic/Likely pathogenic. Review status: criteria provided, multiple submitters, no conflicts (2 of 4 stars). 5 submissions from 5 submitters: Pathogenic (4); Likely pathogenic (1). Last evaluated 2025-12-17.

Conditions:
PKHD1-related disorder. Also called: PKHD1-related condition.
Polycystic kidney disease 4 (PKD4). Also called: POLYCYSTIC KIDNEY AND HEPATIC DISEASE 1; POLYCYSTIC KIDNEY DISEASE, INFANTILE, TYPE I; PKD3; POLYCYSTIC KIDNEY DISEASE 4 WITH OR WITHOUT POLYCYSTIC LIVER DISEASE; Autosomal Recessive Polycystic Kidney Disease – PKHD1. Identifiers: MedGen C4540575, MONDO:0033004, OMIM 263200.
Autosomal recessive polycystic kidney disease (ARPKD). Also called: AR polycystic kidney disease. Identifiers: Orphanet 731, Orphanet 8378, MedGen C0085548, MeSH D017044, MONDO:0009889.

Submissions (5):

Natera, Inc.
Classification: Pathogenic for Autosomal recessive polycystic kidney disease. Last evaluated: 2025-12-17. Review status: criteria provided, single submitter. Criteria: Natera Variant Classification Schema (03/2026). Collection method: clinical testing. Allele origin: germline.
Comment: The c.6296_6297delTG variant in PKHD1 is a frameshift variant predicted to shift the reading frame beginning at codon 2099 and leads to a stop codon 8 codons downstream. This variant is expected to result in nonsense mediated decay, truncation, or a dysfunctional protein product. This variant is rare in the general population with a frequency below the threshold expected for the associated phenotype(s). This variant has been observed in one or more individuals affected with the associated recessive disease, as either homozygous or compound heterozygous with a second variant (PMID: 1994083). Given the available evidence, this variant is classified as Pathogenic.

PreventionGenetics, part of Exact Sciences
Classification: Pathogenic for PKHD1-related condition. Last evaluated: 2025-09-08. Review status: criteria provided, single submitter. Criteria: ACMG Guidelines, 2015. Collection method: clinical testing. Allele origin: germline.
Comment: The PKHD1 c.6296_6297delTG variant is predicted to result in a frameshift and premature protein termination (p.Val2099Alafs*8). This variant has been reported to be pathogenic for autosomal recessive polycystic kidney disease (ARPKD) (Table S2, Denamur et al. 2010. PubMed ID: 19940839; Deng et al. 2022. PubMed ID: 35065907). This variant has not been reported in a large population database (gnomAD), indicating this variant is rare. Frameshift variants in PKHD1 are expected to be pathogenic. This variant is interpreted as pathogenic.

Baylor Genetics
Classification: Pathogenic for Polycystic kidney disease 4. Last evaluated: 2023-04-24. Review status: criteria provided, single submitter. Criteria: ACMG Guidelines, 2015. Collection method: clinical testing. Allele origin: unknown.

Labcorp Genetics (formerly Invitae), Labcorp
Classification: Pathogenic for Autosomal recessive polycystic kidney disease. Last evaluated: 2021-07-31. Review status: criteria provided, single submitter. Criteria: Invitae Variant Classification Sherloc (09022015). Collection method: clinical testing. Allele origin: germline.
Comment: For these reasons, this variant has been classified as Pathogenic. ClinVar contains an entry for this variant (Variation ID: 496523). This variant is also known as p.V2099AdelfsX2106.. This premature translational stop signal has been observed in individual(s) with autosomal recessive polycystic kidney disease (PMID: 19940839). This variant is not present in population databases (ExAC no frequency). This sequence change creates a premature translational stop signal (p.Val2099Alafs*8) in the PKHD1 gene. It is expected to result in an absent or disrupted protein product. Loss-of-function variants in PKHD1 are known to be pathogenic (PMID: 19940839).

Women's Health and Genetics/Laboratory Corporation of America, LabCorp
Classification: Likely pathogenic for Autosomal recessive polycystic kidney disease. Last evaluated: 2017-02-23. Review status: criteria provided, single submitter. Criteria: LabCorp Variant Classification Summary - May 2015. Collection method: clinical testing. Allele origin: germline.
Comment: Variant summary: The PKHD1 c.6296_6297delTG (p.Val2099Alafs) variant results in a premature termination codon, predicted to cause a truncated or absent PKHD1 protein due to nonsense mediated decay, which are commonly known mechanisms for disease. Truncations downstream of this position have been classified as pathogenic by our laboratory (e.g., c.9319C>T [p.Arg3107X] and c.9689delA [p.Asp3230fs). One in silico tool predicts a damaging outcome for this variant. This variant is absent in the large control population database ExAC (0/121238 control chromosomes). One publication has implicated this variant, in trans with another truncating variant, as disease causative (Denamur_Kidney Int_2010). Taken together, this variant is classified as likely pathogenic.

Literature cited by the submitters: PubMed 1994083 (cited by Natera, Inc.); PubMed 19940839 (cited by Labcorp Genetics (formerly Invitae), Labcorp and Women's Health and Genetics/Laboratory Corporation of America, LabCorp).